The following is an entry in ClinVar:

NM_000492.4(CFTR):c.2054A>C (p.Gln685Pro)

Gene: CFTR (CF transmembrane conductance regulator; plus strand). Cytogenetic location: 7q31.2.
Variant type: single nucleotide variant.
Coding change: c.2054A>C on transcript NM_000492.4 (MANE Select); coding-DNA position 2054, A replaced by C.
Protein change: p.Gln685Pro; replaces glutamine 685 with proline.
Molecular consequence: missense variant.
Genome position (GRCh38, 1-based): chr7:117,592,221, A>C. VCF-style: chr7-117592221-A-C. GRCh37 (hg19) VCF-style: chr7-117232275-A-C.
Other names: short protein forms Q685P.
Identifiers: ClinVar variation 2453627 (VCV002453627.2), dbSNP rs2485109834, ClinGen allele CA368979455.

ClinVar aggregate classification (germline): Uncertain significance (1 of 4 stars; one submission).

Conditions:
Cystic fibrosis (CF). Also called: MUCOVISCIDOSIS. Identifiers: Orphanet 586, MedGen C0010674, MONDO:0009061, OMIM 219700. Disease mechanism: loss of function.

Submission:

Ambry Genetics
Classification: Uncertain significance for Cystic fibrosis. Last evaluated: 2022-12-22. Review status: criteria provided, single submitter. Criteria: Ambry Variant Classification Scheme 2023. Collection method: clinical testing. Allele origin: germline.
Comment: The p.Q685P variant (also known as c.2054A>C), located in coding exon 14 of the CFTR gene, results from an A to C substitution at nucleotide position 2054. The glutamine at codon 685 is replaced by proline, an amino acid with similar properties. This amino acid position is conserved. In addition, the in silico prediction for this alteration is inconclusive. Since supporting evidence is limited at this time, the clinical significance of this alteration remains unclear.